The following is an entry in ClinVar:

NM_007294.4(BRCA1):c.5236del (p.His1746fs)

Gene: BRCA1 (BRCA1 DNA repair associated; minus strand). Cytogenetic location: 17q21.31.
Variant type: Deletion.
Coding change: c.5236del on transcript NM_007294.4 (MANE Select); coding-DNA position 5236, one base deleted (C; older notation c.5236delC).
Protein change: p.His1746fs; shifts the reading frame from histidine 1746.
Molecular consequence: frameshift variant. On other transcripts: non-coding transcript variant (1).
Genome position (GRCh38, 1-based): chr17:43,057,093, G deleted on the plus strand (C on the coding strand, the reverse complement: BRCA1 is on the minus strand); the first of 2 consecutive G bases (chr17:43,057,093-43,057,094); deleting either gives the same sequence. VCF-style (leftmost placement, unchanged base first): chr17-43057092-TG-T. GRCh37 (hg19) VCF-style: chr17-41209109-TG-T.
Other names: c.5236delC (NM_007294.3); c.1923delC, p.His642Thrfs (NM_001407990.1, NM_001407991.1, NM_001407992.1 and 12 more transcripts); c.1920delC, p.His641Thrfs (NM_001408392.1, NM_001408396.1, NM_001408397.1 and 8 more transcripts); c.1917delC, p.His640Thrfs (NM_001408406.1, NM_001408407.1, NM_001408408.1); c.1914delC, p.His639Thrfs (NM_001408409.1); c.1851delC, p.His618Thrfs (NM_001408410.1); c.1848delC, p.His617Thrfs (NM_001408411.1); c.1845delC, p.His616Thrfs (NM_001408412.1, NM_001408413.1, NM_001408414.1 and 2 more transcripts); and 76 more; short protein forms H1767fs, H642fs, H1699fs, H1746fs.
Identifiers: ClinVar variation 231997 (VCV000231997.6), dbSNP rs876659483, ClinGen allele CA10580492.
Genomic context (GRCh38, chr17:43,057,092, plus strand): 5'-CTTGAGGGAGGGAGCTTTACCTTTCTGTCCTGGGATTCTCTTGCTCGCTTTGGACCTTGG[TG>T]GTTTCTTCCATTGACCACATCTCCTCTGACTTCAAAATCATGCTGAAAGAAACCAAACAC-3'

ClinVar aggregate classification (germline): Pathogenic. Review status: reviewed by expert panel (3 of 4 stars). 2 submissions from 2 submitters: Pathogenic (1). 1 of the submissions does not count toward it. Last evaluated 2017-12-15.

Conditions:
Breast-ovarian cancer, familial, susceptibility to, 1 (BROVCA1). Also called: BRCA1 Hereditary Breast and Ovarian Cancer; OVARIAN CANCER, SUSCEPTIBILITY TO. Identifiers: Orphanet 145, MedGen C2676676, MONDO:0011450, OMIM 604370. Disease mechanism: loss of function.
Hereditary cancer-predisposing syndrome. Also called: Tumor predisposition; Hereditary Cancer Syndrome; Neoplastic Syndromes, Hereditary; Hereditary neoplastic syndrome. Identifiers: Orphanet 140162, MedGen C0027672, MeSH D009386, MONDO:0015356.

Submissions (2):

Evidence-based Network for the Interpretation of Germline Mutant Alleles (ENIGMA)
Classification: Pathogenic for Breast-ovarian cancer, familial, susceptibility to, 1. Last evaluated: 2017-12-15. Review status: reviewed by expert panel. Criteria: ENIGMA BRCA1/2 Classification Criteria (2017-06-29). Collection method: curation. Allele origin: germline. Study: ENIGMA.
Comment: Variant allele predicted to encode a truncated non-functional protein.

Ambry Genetics
Classification: Pathogenic for Hereditary cancer-predisposing syndrome. Last evaluated: 2017-04-05. Review status: criteria provided, single submitter. Criteria: Ambry Variant Classification Scheme 2023. Collection method: clinical testing. Allele origin: germline. Not counted in ClinVar's aggregate classification.
Comment: The c.5236delC pathogenic mutation, located in coding exon 18 of the BRCA1 gene, results from a deletion of one nucleotide at nucleotide position 5236, causing a translational frameshift with a predicted alternate stop codon (p.H1746Tfs*19). This alteration is expected to result in loss of function by premature protein truncation or nonsense-mediated mRNA decay. As such, this alteration is interpreted as a disease-causing mutation.